The following is an entry in ClinVar:

NM_001166114.2(PNPLA6):c.832G>A (p.Ala278Thr)

Gene: PNPLA6 (patatin like domain 6, lysophospholipase; plus strand). Cytogenetic location: 19p13.2.
Variant type: single nucleotide variant.
Coding change: c.832G>A on transcript NM_001166114.2 (MANE Select); coding-DNA position 832, G replaced by A.
Protein change: p.Ala278Thr; replaces alanine 278 with threonine.
Molecular consequence: missense variant.
Genome position (GRCh38, 1-based): chr19:7,540,959, G>A. VCF-style: chr19-7540959-G-A. GRCh37 (hg19) VCF-style: chr19-7605845-G-A.
Other names: c.859G>A, p.Ala287Thr (NM_001166111.2); c.715G>A, p.Ala239Thr (NM_001166112.2, NM_001166113.1, NM_006702.5); short protein forms A239T, A278T, A287T.
Identifiers: ClinVar variation 4057207 (VCV004057207.8).

ClinVar aggregate classification (germline): Uncertain significance. Review status: criteria provided, single submitter (1 of 4 stars). 2 submissions from 2 submitters: Uncertain significance (1). 1 of the submissions does not count toward it. Last evaluated 2025-09-01.

Conditions:
Hearing impairment. Also called: Impaired Hearing. Identifiers: MedGen C1384666, MONDO:0005365, HP:0000365.

gnomAD v4.1: 10 of 1,612,180 alleles (0.00062%); highest among the groups gnomAD compares: Non-Finnish European, 0.00085%; no homozygotes.

Submissions (2):

CeGaT Center for Human Genetics Tuebingen
Classification: Uncertain significance. Last evaluated: 2025-09-01. Review status: criteria provided, single submitter. Criteria: CeGaT Center For Human Genetics Tuebingen Variant Classification Criteria Version 2. Collection method: clinical testing. Allele origin: germline. Affected: yes. Observed: 1 variant allele.
Comment: PNPLA6: PM2, PP2

Molecular Genetics, Labor Dr. Heidrich & Kollegen MVZ GmbH
Classification: Uncertain significance for HP:0000365. Last evaluated: 2025-07-01. Review status: no assertion criteria provided. Collection method: clinical testing. Allele origin: germline. Not counted in ClinVar's aggregate classification.